The following is an entry in ClinVar:

ClinVar aggregate classification (germline): Pathogenic. Review status: criteria provided, single submitter (1 of 4 stars). 2 submissions from 2 submitters: Pathogenic (1). 1 of the submissions does not count toward it. Last evaluated 2022-02-24.

Conditions:
Agammaglobulinemia 7, autosomal recessive (AGM7). Also called: AGAMMAGLOBULINEMIA, AUTOSOMAL RECESSIVE, DUE TO PIK3R1 DEFECT. Identifiers: MedGen C3554689, MONDO:0014083, OMIM 615214.
SHORT syndrome. Also called: LIPODYSTROPHY, PARTIAL, WITH RIEGER ANOMALY AND SHORT STATURE; SHORT STATURE, HYPEREXTENSIBILITY, HERNIA, OCULAR DEPRESSION, RIEGER ANOMALY, AND TEETHING DELAY; PIK3R1-Related SHORT Syndrome. Identifiers: Orphanet 3163, MedGen C0878684, MONDO:0010026, OMIM 269880.
Immunodeficiency 36 with lymphoproliferation. Also called: Activated PI3K Delta Syndrome Type 2 (APDS2); Immunodeficiency 36; ACTIVATED PI3K-DELTA SYNDROME 2. Identifiers: Orphanet 397596, Orphanet 693681, MedGen C4014934, MONDO:0014453, OMIM 616005.

Submissions (2):

Labcorp Genetics (formerly Invitae), Labcorp
Classification: Pathogenic for SHORT syndrome; Immunodeficiency 36 with lymphoproliferation; Agammaglobulinemia 7, autosomal recessive. Last evaluated: 2022-02-24. Review status: criteria provided, single submitter. Criteria: Invitae Variant Classification Sherloc (09022015). Collection method: clinical testing. Allele origin: germline.
Comment: This sequence change creates a premature translational stop signal (p.Trp298*) in the PIK3R1 gene. It is expected to result in an absent or disrupted protein product. Loss-of-function variants in PIK3R1 are known to be pathogenic (PMID: 22351933, 25133428). This variant is not present in population databases (gnomAD no frequency). This premature translational stop signal has been observed in individual(s) with agammaglobulinemia and absent B cells (PMID: 22351933). ClinVar contains an entry for this variant (Variation ID: 48646). Algorithms developed to predict the effect of sequence changes on RNA splicing suggest that this variant may create or strengthen a splice site. For these reasons, this variant has been classified as Pathogenic.

OMIM
Classification: Pathogenic for AGAMMAGLOBULINEMIA 7, AUTOSOMAL RECESSIVE. Last evaluated: 2014-09-02. Review status: no assertion criteria provided. Collection method: literature only. Allele origin: germline. Not counted in ClinVar's aggregate classification.

Literature cited by the submitters: PubMed 22351933 (cited by Labcorp Genetics (formerly Invitae), Labcorp and OMIM); PubMed 25133428 (cited by Labcorp Genetics (formerly Invitae), Labcorp and OMIM); PubMed 39835783 (cited by OMIM); PubMed 29178053 (cited by OMIM).

NM_181523.3(PIK3R1):c.893G>A (p.Trp298Ter)

Gene: PIK3R1 (phosphoinositide-3-kinase regulatory subunit 1; plus strand). Cytogenetic location: 5q13.1.
Variant type: single nucleotide variant.
Coding change: c.893G>A on transcript NM_181523.3 (MANE Select); coding-DNA position 893, G replaced by A.
Protein change: p.Trp298Ter; replaces tryptophan 298 with a stop codon.
Molecular consequence: nonsense.
Genome position (GRCh38, 1-based): chr5:68,280,983, G>A. VCF-style: chr5-68280983-G-A. GRCh37 (hg19) VCF-style: chr5-67576811-G-A.
Other names: short protein forms W298*.
Identifiers: ClinVar variation 48646 (VCV000048646.14), dbSNP rs397509384, ClinGen allele CA143682.